The following is an entry in ClinVar:

NM_004281.4(BAG3):c.103G>A (p.Gly35Ser)

Gene: BAG3 (BAG cochaperone 3; plus strand). Cytogenetic location: 10q26.11.
Variant type: single nucleotide variant.
Coding change: c.103G>A on transcript NM_004281.4 (MANE Select); coding-DNA position 103, G replaced by A.
Protein change: p.Gly35Ser; replaces glycine 35 with serine.
Molecular consequence: missense variant.
Genome position (GRCh38, 1-based): chr10:119,651,778, G>A. VCF-style: chr10-119651778-G-A. GRCh37 (hg19) VCF-style: chr10-121411290-G-A.
Other names: short protein forms G35S.
Identifiers: ClinVar variation 1462897 (VCV001462897.6), dbSNP rs200072558, ClinGen allele CA5716217.

ClinVar aggregate classification (germline): Uncertain significance (1 of 4 stars; one submission).

Conditions:
Myofibrillar myopathy 6. Identifiers: Orphanet 199340, MedGen C2751831, MONDO:0013061, OMIM 612954.
Dilated cardiomyopathy 1HH (CMD1HH). Identifiers: Orphanet 154, MedGen C3151293, MONDO:0013479, OMIM 613881.

Allele frequency attached by ClinVar (database versions not stated): gnomAD exomes below 0.00001 and 0.00001; ExAC 0.00001; gnomAD 0.00001; 1000 Genomes Project 30x 0.00016; 1000 Genomes Project 0.00020.
gnomAD v4.1: 3 of 1,602,178 alleles (0.00019%); highest among the groups gnomAD compares: East Asian, 0.0023%; no homozygotes.

Submission:

Labcorp Genetics (formerly Invitae), Labcorp
Classification: Uncertain significance for Dilated cardiomyopathy 1HH; Myofibrillar myopathy 6. Last evaluated: 2024-10-15. Review status: criteria provided, single submitter. Criteria: Invitae Variant Classification Sherloc (09022015). Collection method: clinical testing. Allele origin: germline.
Comment: This sequence change replaces glycine, which is neutral and non-polar, with serine, which is neutral and polar, at codon 35 of the BAG3 protein (p.Gly35Ser). The frequency data for this variant in the population databases is considered unreliable, as metrics indicate poor data quality at this position in the gnomAD database. This variant has not been reported in the literature in individuals affected with BAG3-related conditions. ClinVar contains an entry for this variant (Variation ID: 1462897). An algorithm developed to predict the effect of missense changes on protein structure and function (PolyPhen-2) suggests that this variant is likely to be disruptive. In summary, the available evidence is currently insufficient to determine the role of this variant in disease. Therefore, it has been classified as a Variant of Uncertain Significance.